The following is an entry in ClinVar:

ClinVar aggregate classification (germline): Uncertain significance (1 of 4 stars; one submission).

Conditions:
Parkinson disease 17 (PARK17). Also called: VPS35-Related Parkinson Disease. Identifiers: Orphanet 411602, MedGen C3280133, MONDO:0013625, OMIM 614203.

Allele frequency attached by ClinVar (database versions not stated): gnomAD exomes below 0.00001.
gnomAD v4.1: 4 of 1,614,158 alleles (0.00025%); highest among the groups gnomAD compares: Non-Finnish European, 0.00034%; no homozygotes.

Submission:

Labcorp Genetics (formerly Invitae), Labcorp
Classification: Uncertain significance for Parkinson disease 17. Last evaluated: 2018-02-07. Review status: criteria provided, single submitter. Criteria: Invitae Variant Classification Sherloc (09022015). Collection method: clinical testing. Allele origin: germline.
Comment: In summary, the available evidence is currently insufficient to determine the role of this variant in disease. Therefore, it has been classified as a Variant of Uncertain Significance. Algorithms developed to predict the effect of missense changes on protein structure and function (SIFT, PolyPhen-2, Align-GVGD) all suggest that this variant is likely to be disruptive, but these predictions have not been confirmed by published functional studies and their clinical significance is uncertain. This variant has not been reported in the literature in individuals with VPS35-related disease. This variant is not present in population databases (ExAC no frequency). This sequence change replaces phenylalanine with cysteine at codon 517 of the VPS35 protein (p.Phe517Cys). The phenylalanine residue is highly conserved and there is a large physicochemical difference between phenylalanine and cysteine.

NM_018206.6(VPS35):c.1550T>G (p.Phe517Cys)

Gene: VPS35 (VPS35 retromer complex component; minus strand). Cytogenetic location: 16q11.2.
Variant type: single nucleotide variant.
Coding change: c.1550T>G on transcript NM_018206.6 (MANE Select); coding-DNA position 1550, T replaced by G.
Protein change: p.Phe517Cys; replaces phenylalanine 517 with cysteine.
Molecular consequence: missense variant.
Genome position (GRCh38, 1-based): chr16:46,669,027, A>C on the plus strand (T>G on the coding strand, the complement: VPS35 is on the minus strand). VCF-style: chr16-46669027-A-C. GRCh37 (hg19) VCF-style: chr16-46702939-A-C.
Other names: short protein forms F517C.
Identifiers: ClinVar variation 579180 (VCV000579180.8), dbSNP rs1567264486, ClinGen allele CA395806317.